The following is an entry in ClinVar:

NM_000466.3(PEX1):c.1714C>G (p.His572Asp)

Gene: PEX1 (peroxisomal biogenesis factor 1; minus strand). Cytogenetic location: 7q21.2.
Variant type: single nucleotide variant.
Coding change: c.1714C>G on transcript NM_000466.3 (MANE Select); coding-DNA position 1714, C replaced by G.
Protein change: p.His572Asp; replaces histidine 572 with aspartic acid.
Molecular consequence: missense variant.
Genome position (GRCh38, 1-based): chr7:92,507,083, G>C on the plus strand (C>G on the coding strand, the complement: PEX1 is on the minus strand). VCF-style: chr7-92507083-G-C. GRCh37 (hg19) VCF-style: chr7-92136397-G-C.
Other names: c.1714C>G, p.His572Asp (NM_001282677.2); c.1090C>G, p.His364Asp (NM_001282678.2); short protein forms H364D, H572D.
Identifiers: ClinVar variation 1481376 (VCV001481376.8), dbSNP rs1167491787, ClinGen allele CA368187819.

ClinVar aggregate classification (germline): Uncertain significance (1 of 4 stars; one submission).

Conditions:
Zellweger spectrum disorders (ZS). Also called: Zellweger Spectrum Disorder; Zellweger Spectrum; Zellweger syndrome; Zellweger Spectrum Disorder (ZSD). Identifiers: Orphanet 912, MedGen C0043459, MONDO:0019609.

Allele frequency attached by ClinVar (database versions not stated): gnomAD 0.00001.
gnomAD v4.1: 1 of 1,613,656 alleles (0.000062%); highest among the groups gnomAD compares: Admixed American, 0.0017%; no homozygotes.

Submission:

Labcorp Genetics (formerly Invitae), Labcorp
Classification: Uncertain significance for Zellweger spectrum disorders. Last evaluated: 2022-01-06. Review status: criteria provided, single submitter. Criteria: Invitae Variant Classification Sherloc (09022015). Collection method: clinical testing. Allele origin: germline.
Comment: This variant is not present in population databases (gnomAD no frequency). This sequence change replaces histidine, which is basic and polar, with aspartic acid, which is acidic and polar, at codon 572 of the PEX1 protein (p.His572Asp). In summary, the available evidence is currently insufficient to determine the role of this variant in disease. Therefore, it has been classified as a Variant of Uncertain Significance. Algorithms developed to predict the effect of missense changes on protein structure and function (SIFT, PolyPhen-2, Align-GVGD) all suggest that this variant is likely to be tolerated. This variant has not been reported in the literature in individuals affected with PEX1-related conditions.